The following is an entry in ClinVar:

NM_013448.3(BAZ1A):c.2294T>G (p.Val765Gly)

Gene: BAZ1A (bromodomain adjacent to zinc finger domain 1A; minus strand). Cytogenetic location: 14q13.1.
Variant type: single nucleotide variant.
Coding change: c.2294T>G on transcript NM_013448.3 (MANE Select); coding-DNA position 2294, T replaced by G.
Protein change: p.Val765Gly; replaces valine 765 with glycine.
Molecular consequence: missense variant.
Genome position (GRCh38, 1-based): chr14:34,776,458, A>C on the plus strand (T>G on the coding strand, the complement: BAZ1A is on the minus strand). VCF-style: chr14-34776458-A-C. GRCh37 (hg19) VCF-style: chr14-35245664-A-C.
Other names: c.2198T>G, p.Val733Gly (NM_182648.2); short protein forms V733G, V765G.
Identifiers: ClinVar variation 2637042 (VCV002637042.1), dbSNP rs2502068177, ClinGen allele CA389425471.
Genomic context (GRCh38, chr14:34,776,458, plus strand): 5'-TTTCGTTGGTGTTCCTGTTTTAATGCTTCTTCCTCATCAGCAGTAAGAGGCTCTCTTGTT[A>C]CACAGTTGATCTGTTCTTGCCTTGTAAATTCTTTAAATCCATTTTGTCCTCTTTTCCCTG-3'
Protein context (NP_038476.2, residues 755-775): EFTRQEQINC[Val765Gly]TREPLTADEE

ClinVar aggregate classification (germline): Uncertain significance (1 of 4 stars; one submission).

Conditions:
BAZ1A-related disorder. Also called: BAZ1A-related condition.

Submission:

PreventionGenetics, part of Exact Sciences
Classification: Uncertain significance for BAZ1A-related condition. Last evaluated: 2022-10-04. Review status: criteria provided, single submitter. Criteria: ACMG Guidelines, 2015. Collection method: clinical testing. Allele origin: germline.
Comment: The BAZ1A c.2294T>G variant is predicted to result in the amino acid substitution p.Val765Gly. To our knowledge, this variant has not been reported in the literature or in a large population database, indicating this variant is rare. At this time, the clinical significance of this variant is uncertain due to the absence of conclusive functional and genetic evidence.